The following is an entry in ClinVar:

ClinVar aggregate classification (germline): Benign (1 of 4 stars; one submission).

Allele frequency attached by ClinVar (database versions not stated): 1000 Genomes Project 0.00379; 1000 Genomes Project 30x 0.00453; gnomAD 0.00602; TOPMed 0.00649.

Submission:

CeGaT Center for Human Genetics Tuebingen
Classification: Benign. Last evaluated: 2026-09-01. Review status: criteria provided, single submitter. Criteria: CeGaT Center For Human Genetics Tuebingen Variant Classification Criteria Version 2. Collection method: clinical testing. Allele origin: germline. Affected: yes. Observed: 30 variant alleles.
Comment: SBF2: BS1, BS2

NM_030962.4(SBF2):c.619+11570G>C

Gene: SBF2 (SET binding factor 2; minus strand). Cytogenetic location: 11p15.4.
Variant type: single nucleotide variant.
Coding change: c.619+11570G>C on transcript NM_030962.4 (MANE Select); 11570 bases into the intron after coding-DNA position 619, G replaced by C.
Molecular consequence: intron variant.
Genome position (GRCh38, 1-based): chr11:10,016,882, C>G on the plus strand (G>C on the coding strand, the complement: SBF2 is on the minus strand). VCF-style: chr11-10016882-C-G. GRCh37 (hg19) VCF-style: chr11-10038429-C-G.
Other names: c.655+11570G>C (NM_001424318.1); c.619+11570G>C (NM_001386342.1, NM_001386339.1).
Identifiers: ClinVar variation 2641595 (VCV002641595.24), dbSNP rs142733781, ClinGen allele CA217669728.